The following is an entry in ClinVar:

ClinVar aggregate classification (germline): Benign/Likely benign. Review status: criteria provided, multiple submitters, no conflicts (2 of 4 stars). 3 submissions from 3 submitters: Benign (1); Likely benign (2). Last evaluated 2025-09-28.

Conditions:
Hereditary cancer-predisposing syndrome. Also called: Neoplastic Syndromes, Hereditary; Hereditary neoplastic syndrome; Hereditary Cancer Syndrome; Tumor predisposition. Identifiers: Orphanet 140162, MedGen C0027672, MeSH D009386, MONDO:0015356.
Peutz-Jeghers syndrome (PJS). Also called: Peutz-Jeghers polyposis; Periorificial lentiginosis syndrome; POLYPOSIS, HAMARTOMATOUS INTESTINAL; POLYPS-AND-SPOTS SYNDROME. Identifiers: Orphanet 2869, MedGen C0031269, MeSH D010580, MONDO:0008280, OMIM 175200.

Allele frequency attached by ClinVar (database versions not stated): gnomAD exomes below 0.00001.
gnomAD v4.1: 2 of 1,607,438 alleles (0.00012%); highest among the groups gnomAD compares: Non-Finnish European, 0.00017%; no homozygotes.

Submissions (3):

Labcorp Genetics (formerly Invitae), Labcorp
Classification: Likely benign for Peutz-Jeghers syndrome. Last evaluated: 2025-09-28. Review status: criteria provided, single submitter. Criteria: Invitae Variant Classification Sherloc (09022015). Collection method: clinical testing. Allele origin: germline.

Myriad Genetics, Inc.
Classification: Benign for Peutz-Jeghers syndrome. Last evaluated: 2025-03-27. Review status: criteria provided, single submitter. Criteria: Myriad Autosomal Dominant, Autosomal Recessive and X-Linked Classification Criteria (2023). Collection method: clinical testing. Allele origin: unknown.
Comment: This variant is considered benign. This variant is a silent/synonymous amino acid change and it is not expected to impact splicing.

Ambry Genetics
Classification: Likely benign for Hereditary cancer-predisposing syndrome. Last evaluated: 2025-02-20. Review status: criteria provided, single submitter. Criteria: Ambry Variant Classification Scheme 2023. Collection method: clinical testing. Allele origin: germline.

NM_000455.5(STK11):c.855G>C (p.Leu285=)

Gene: STK11 (serine/threonine kinase 11; plus strand). Cytogenetic location: 19p13.3.
Variant type: single nucleotide variant.
Coding change: c.855G>C on transcript NM_000455.5 (MANE Select); coding-DNA position 855, G replaced by C.
Protein change: p.Leu285=; no amino-acid change (leucine 285 retained).
Molecular consequence: synonymous variant.
Genome position (GRCh38, 1-based): chr19:1,221,333, G>C. VCF-style: chr19-1221333-G-C. GRCh37 (hg19) VCF-style: chr19-1221332-G-C.
Other names: c.855G>C (NM_000455.4).
Identifiers: ClinVar variation 1086103 (VCV001086103.11), dbSNP rs1599927757, ClinGen allele CA504707346.
Genomic context (GRCh38, chr19:1,221,333, plus strand): 5'-GAACATCGGGAAGGGGAGCTACGCCATCCCGGGCGACTGTGGCCCCCCGCTCTCTGACCT[G>C]CTGAAAGGTGGGAGCCTCATCCCTCTGCCCGCAGCCCCAGGGAGGCGGGGCTTTTGTGCA-3'
Protein context (NP_000446.1, residues 275-295): PGDCGPPLSD[Leu285=]LKGMLEYEPA